The following is an entry in ClinVar:

ClinVar aggregate classification (germline): Uncertain significance. Review status: criteria provided, multiple submitters, no conflicts (2 of 4 stars). 2 submissions from 2 submitters: Uncertain significance (2). Last evaluated 2025-10-14.

Conditions:
Inborn genetic diseases. Identifiers: MedGen C0950123, MeSH D030342.

Submissions (2):

Ambry Genetics
Classification: Uncertain significance for Inborn genetic diseases. Last evaluated: 2025-10-14. Review status: criteria provided, single submitter. Criteria: Ambry Variant Classification Scheme 2023. Collection method: clinical testing. Allele origin: germline.
Comment: The p.P1215S variant (also known as c.3643C>T), located in coding exon 1 of the SAMD9L gene, results from a C to T substitution at nucleotide position 3643. The proline at codon 1215 is replaced by serine, an amino acid with similar properties. This amino acid position is conserved. In addition, this alteration is predicted to be tolerated by in silico analysis. Based on the available evidence, the clinical significance of this variant remains unclear.

GeneDx
Classification: Uncertain significance. Last evaluated: 2024-10-16. Review status: criteria provided, single submitter. Criteria: GeneDx Variant Classification Process June 2021. Collection method: clinical testing. Allele origin: germline. Affected: yes.
Comment: Not observed at significant frequency in large population cohorts (gnomAD); In silico analysis supports that this missense variant has a deleterious effect on protein structure/function; Has not been previously published as pathogenic or benign to our knowledge

NM_152703.5(SAMD9L):c.3643C>T (p.Pro1215Ser)

Gene: SAMD9L (sterile alpha motif domain containing 9 like; minus strand). Cytogenetic location: 7q21.2.
Variant type: single nucleotide variant.
Coding change: c.3643C>T on transcript NM_152703.5 (MANE Select); coding-DNA position 3643, C replaced by T.
Protein change: p.Pro1215Ser; replaces proline 1215 with serine.
Molecular consequence: missense variant.
Genome position (GRCh38, 1-based): chr7:93,132,329, G>A on the plus strand (C>T on the coding strand, the complement: SAMD9L is on the minus strand). VCF-style: chr7-93132329-G-A. GRCh37 (hg19) VCF-style: chr7-92761642-G-A.
Other names: c.3643C>T (NM_152703.3); c.3643C>T, p.Pro1215Ser (NM_001303496.3, NM_001303497.3, NM_001303498.3 and 5 more transcripts); short protein forms P1215S.
Identifiers: ClinVar variation 3157720 (VCV003157720.3), dbSNP rs2535410585, ClinGen allele CA368180867.